The following is an entry in ClinVar:

NM_000349.3(STAR):c.48_49del (p.Met17fs)

Gene: STAR (steroidogenic acute regulatory protein; minus strand). Cytogenetic location: 8p11.23.
Variant type: Microsatellite.
Coding change: c.48_49del on transcript NM_000349.3 (MANE Select); coding-DNA positions 48 to 49, 2 bases deleted (CA; older notation c.48_49delCA).
Protein change: p.Met17fs; shifts the reading frame from methionine 17.
Molecular consequence: frameshift variant.
Genome position (GRCh38, 1-based): chr8:38,150,770-38,150,771, TG deleted on the plus strand (CA on the coding strand, the reverse complement: STAR is on the minus strand); deleting any 2 consecutive bases within chr8:38,150,770-38,150,774 gives the same sequence; the c. name uses the placement nearest the transcript's 3' end. VCF-style (leftmost placement, unchanged base first): chr8-38150769-ATG-A. GRCh37 (hg19) VCF-style: chr8-38008287-ATG-A.
Other names: short protein forms M17fs.
Identifiers: ClinVar variation 5014038 (VCV005014038.1).
Genomic context (GRCh38, chr8:38,150,769, plus strand): 5'-CTGAGAGCTGGCCAACCCCTCATCGCCTCCTTCCCGCAGCGCTCACCCTTCATGTTGCGC[ATG>A]TGTCTGTAGGAGCTCCCAGCGCACAGCTTGAATGTCGCTAGCAGCATTGTTTCCTGGCAA-3'

ClinVar aggregate classification (germline): Pathogenic (1 of 4 stars; one submission).

Conditions:
Congenital lipoid adrenal hyperplasia due to STAR deficency. Also called: ADRENAL HYPERPLASIA I; Cholesterol monooxygenase (side-chain cleaving) deficiency; Congenital Lipoid Adrenal Hyperplasia; Lipoid adrenal hyperplasia. Identifiers: Orphanet 418, Orphanet 90790, MedGen C0342474, MONDO:0008725, OMIM 201710.

Submission:

Myriad Genetics, Inc.
Classification: Pathogenic for Congenital lipoid adrenal hyperplasia due to STAR deficency. Last evaluated: 2025-01-30. Review status: criteria provided, single submitter. Criteria: Myriad Autosomal Dominant, Autosomal Recessive and X-Linked Classification Criteria (2023). Collection method: clinical testing. Allele origin: unknown.
Comment: NM_000349.2(STAR):c.48_49delCA(M17Afs*29) is expected to be pathogenic in the context of lipoid congenital adrenal hyperplasia. This variant is predicted to lead to an abnormal or absent protein product due to the creation of a premature termination codon in STAR, a gene where loss-of-function variants are known to be pathogenic. Please note: this variant was assessed in the context of healthy population screening.